The following is an entry in ClinVar:

ClinVar aggregate classification (germline): Uncertain significance (1 of 4 stars; one submission).

Conditions:
Charcot-Marie-Tooth disease type 2E (CMT2E). Also called: CHARCOT-MARIE-TOOTH DISEASE, AXONAL, TYPE 2E; CHARCOT-MARIE-TOOTH NEUROPATHY, TYPE 2E. Identifiers: Orphanet 99939, MedGen C1843225, MONDO:0011894, OMIM 607684.

Allele frequency attached by ClinVar (database versions not stated): gnomAD exomes below 0.00001.

Submission:

Labcorp Genetics (formerly Invitae), Labcorp
Classification: Uncertain significance for Charcot-Marie-Tooth disease type 2E. Last evaluated: 2025-08-18. Review status: criteria provided, single submitter. Criteria: Invitae Variant Classification Sherloc (09022015). Collection method: clinical testing. Allele origin: germline.
Comment: This sequence change affects codon 348 of the NEFL mRNA. It is a 'silent' change, meaning that it does not change the encoded amino acid sequence of the NEFL protein. This variant also falls at the last nucleotide of exon 1, which is part of the consensus splice site for this exon. This variant is present in population databases (no rsID available, gnomAD 0.0009%). This variant has not been reported in the literature in individuals affected with NEFL-related conditions. ClinVar contains an entry for this variant (Variation ID: 655835). Variants that disrupt the consensus splice site are a relatively common cause of aberrant splicing (PMID: 17576681, 9536098). Algorithms developed to predict the effect of sequence changes on RNA splicing suggest that this variant may disrupt the consensus splice site. In summary, the available evidence is currently insufficient to determine the role of this variant in disease. Therefore, it has been classified as a Variant of Uncertain Significance.

Literature cited by the submitters: PubMed 17576681; PubMed 9536098.

NM_006158.5(NEFL):c.1044G>A (p.Gln348=)

Gene: NEFL (neurofilament light chain; minus strand). Cytogenetic location: 8p21.2.
Variant type: single nucleotide variant.
Coding change: c.1044G>A on transcript NM_006158.5 (MANE Select); coding-DNA position 1044, G replaced by A.
Protein change: p.Gln348=; no amino-acid change (glutamine 348 retained).
Molecular consequence: synonymous variant.
Genome position (GRCh38, 1-based): chr8:24,955,472, C>T on the plus strand (G>A on the coding strand, the complement: NEFL is on the minus strand). VCF-style: chr8-24955472-C-T. GRCh37 (hg19) VCF-style: chr8-24812986-C-T.
Identifiers: ClinVar variation 655835 (VCV000655835.5), dbSNP rs1234285997, ClinGen allele CA460182964.
Genomic context (GRCh38, chr8:24,955,472, plus strand): 5'-GCACCAACTCCCCCCCTTGCTCGAGTCCCCCGCCCCCCTGTGTTTCTGGCCGTGCCGCAC[C>T]TGCATAGCGCTGATGTCGGCGTTCTGCTTGTCCTCCAGCTCCTGCAGCTGCTTCTCCAGC-3'
Protein context (NP_006149.2, residues 338-358): DKQNADISAM[Gln348=]DTINKLENEL